The following is an entry in ClinVar:

NM_001128148.3(TFRC):c.1792G>A (p.Val598Met)

Gene: TFRC (transferrin receptor; minus strand). Cytogenetic location: 3q29.
Variant type: single nucleotide variant.
Coding change: c.1792G>A on transcript NM_001128148.3 (MANE Select); coding-DNA position 1792, G replaced by A.
Protein change: p.Val598Met; replaces valine 598 with methionine.
Molecular consequence: missense variant.
Genome position (GRCh38, 1-based): chr3:196,055,187, C>T on the plus strand (G>A on the coding strand, the complement: TFRC is on the minus strand). VCF-style: chr3-196055187-C-T. GRCh37 (hg19) VCF-style: chr3-195782058-C-T.
Other names: c.1549G>A, p.Val517Met (NM_001313965.2); c.946G>A, p.Val316Met (NM_001313966.2); c.1792G>A, p.Val598Met (NM_003234.4); short protein forms V316M, V598M, V517M.
Identifiers: ClinVar variation 1421959 (VCV001421959.9), dbSNP rs144131234, ClinGen allele CA2777783.
Genomic context (GRCh38, chr3:196,055,187, plus strand): 5'-GTTGGCTGTTGTACCTCTCATAGTCCAGGTTCAATTCAACATCATGGGTTAGTTTAATCA[C>T]GAACTGACCAGCGACCTCTGCAGCTGCTCGTGCCACTTTGTTCAACTCAGGAATCCTCTC-3'
Protein context (NP_001121620.1, residues 588-608): RAAAEVAGQF[Val598Met]IKLTHDVELN

ClinVar aggregate classification (germline): Conflicting classifications of pathogenicity. Review status: criteria provided, conflicting classifications (1 of 4 stars). 2 submissions from 2 submitters: Uncertain significance (1); Likely benign (1). Last evaluated 2025-12-29.

Allele frequency attached by ClinVar (database versions not stated): gnomAD exomes 0.00004 and 0.00011; ExAC 0.00009; ESP Exome Variant Server 0.00023; gnomAD 0.00026 and 0.00027; TOPMed 0.00034; 1000 Genomes Project 0.00040; 1000 Genomes Project 30x 0.00062.
gnomAD v4.1: 107 of 1,614,210 alleles (0.0066%); highest among the groups gnomAD compares: African/African-American, 0.091%; 1 homozygote.

Submissions (2):

Labcorp Genetics (formerly Invitae), Labcorp
Classification: Uncertain significance. Last evaluated: 2025-12-29. Review status: criteria provided, single submitter. Criteria: Invitae Variant Classification Sherloc (09022015). Collection method: clinical testing. Allele origin: germline.
Comment: This sequence change replaces valine, which is neutral and non-polar, with methionine, which is neutral and non-polar, at codon 598 of the TFRC protein (p.Val598Met). This variant is present in population databases (rs144131234, gnomAD 0.1%), and has an allele count higher than expected for a pathogenic variant. This variant has not been reported in the literature in individuals affected with TFRC-related conditions. ClinVar contains an entry for this variant (Variation ID: 1421959). Invitae Evidence Modeling of protein sequence and biophysical properties (such as structural, functional, and spatial information, amino acid conservation, physicochemical variation, residue mobility, and thermodynamic stability) indicates that this missense variant is not expected to disrupt TFRC protein function with a negative predictive value of 80%. In summary, the available evidence is currently insufficient to determine the role of this variant in disease. Therefore, it has been classified as a Variant of Uncertain Significance.

Blueprint Genetics
Classification: Likely benign. Last evaluated: 2023-12-27. Review status: criteria provided, single submitter. Criteria: ACMG Guidelines, 2015. Collection method: clinical testing. Allele origin: germline.